The following is an entry in ClinVar:

NM_002474.3(MYH11):c.2693C>G (p.Ala898Gly)

Gene: MYH11 (myosin heavy chain 11; minus strand). Cytogenetic location: 16p13.11.
Variant type: single nucleotide variant.
Coding change: c.2693C>G on transcript NM_002474.3 (MANE Select); coding-DNA position 2693, C replaced by G.
Protein change: p.Ala898Gly; replaces alanine 898 with glycine.
Molecular consequence: missense variant.
Genome position (GRCh38, 1-based): chr16:15,741,629, G>C on the plus strand (C>G on the coding strand, the complement: MYH11 is on the minus strand). VCF-style: chr16-15741629-G-C. GRCh37 (hg19) VCF-style: chr16-15835486-G-C.
Other names: c.2714C>G, p.Ala905Gly (NM_001040113.2, NM_001040114.2); c.2693C>G, p.Ala898Gly (NM_022844.3); short protein forms A898G, A905G.
Identifiers: ClinVar variation 3662001 (VCV003662001.2).

ClinVar aggregate classification (germline): Uncertain significance (1 of 4 stars; one submission).

Conditions:
Aortic aneurysm, familial thoracic 4 (AAT4). Also called: AORTIC ANEURYSM/AORTIC DISSECTION AND PATENT DUCTUS ARTERIOSUS. Identifiers: MedGen C1851504, MONDO:0007568, OMIM 132900.

Submission:

Labcorp Genetics (formerly Invitae), Labcorp
Classification: Uncertain significance for Aortic aneurysm, familial thoracic 4. Last evaluated: 2025-06-09. Review status: criteria provided, single submitter. Criteria: Invitae Variant Classification Sherloc (09022015). Collection method: clinical testing. Allele origin: germline.
Comment: This sequence change replaces alanine, which is neutral and non-polar, with glycine, which is neutral and non-polar, at codon 905 of the MYH11 protein (p.Ala905Gly). This variant is not present in population databases (gnomAD no frequency). This variant has not been reported in the literature in individuals affected with MYH11-related conditions. ClinVar contains an entry for this variant (Variation ID: 3662001). Invitae Evidence Modeling of protein sequence and biophysical properties (such as structural, functional, and spatial information, amino acid conservation, physicochemical variation, residue mobility, and thermodynamic stability) indicates that this missense variant is not expected to disrupt MYH11 protein function with a negative predictive value of 95%. In summary, the available evidence is currently insufficient to determine the role of this variant in disease. Therefore, it has been classified as a Variant of Uncertain Significance.